The following is an entry in ClinVar:

NM_178822.5(IGSF10):c.108T>C (p.Tyr36=)

Gene: IGSF10 (immunoglobulin superfamily member 10; minus strand). Cytogenetic location: 3q25.1.
Variant type: single nucleotide variant.
Coding change: c.108T>C on transcript NM_178822.5 (MANE Select); coding-DNA position 108, T replaced by C.
Protein change: p.Tyr36=; no amino-acid change (tyrosine 36 retained).
Molecular consequence: synonymous variant.
Genome position (GRCh38, 1-based): chr3:151,458,602, A>G on the plus strand (T>C on the coding strand, the complement: IGSF10 is on the minus strand). VCF-style: chr3-151458602-A-G. GRCh37 (hg19) VCF-style: chr3-151176390-A-G.
Other names: c.108T>C (NM_178822.4); c.108T>C, p.Tyr36= (NM_001385060.1, NM_001385061.1, NM_001385062.1 and 1 more transcripts).
Identifiers: ClinVar variation 1567277 (VCV001567277.11), dbSNP rs142214363, ClinGen allele CA2670877.
Genomic context (GRCh38, chr3:151,458,602, plus strand): 5'-CGGGATGCTGTCTGGGATGGAAGTCAGGTACCGAAATGTGCAGTGTACCTCCGTAGGCAT[A>G]TAACAGGCACAGCGGCGAGGACAGGCCTTGCCCCCAGGGGTGGCGACCAGGCAGATCACA-3'
Protein context (NP_849144.2, residues 26-46): GKACPRRCAC[Tyr36=]MPTEVHCTFR

ClinVar aggregate classification (germline): Benign. Review status: criteria provided, multiple submitters, no conflicts (2 of 4 stars). 3 submissions from 3 submitters: Benign (2). 1 of the submissions does not count toward it. Last evaluated 2026-01-19.

Conditions:
IGSF10-related disorder. Also called: IGSF10-related condition.

Allele frequency attached by ClinVar (database versions not stated): 1000 Genomes Project 30x 0.01015; 1000 Genomes Project 0.01158; TOPMed 0.02405; ESP Exome Variant Server 0.02814; gnomAD 0.02854 and 0.02967; gnomAD exomes 0.03086 and 0.03432; ExAC 0.03249.
gnomAD v4.1: 54,434 of 1,614,132 alleles (3.4%); highest among the groups gnomAD compares: Non-Finnish European, 3.7%; 1,083 homozygotes.

Submissions (3):

Labcorp Genetics (formerly Invitae), Labcorp
Classification: Benign. Last evaluated: 2026-01-19. Review status: criteria provided, single submitter. Criteria: Invitae Variant Classification Sherloc (09022015). Collection method: clinical testing. Allele origin: germline.

Breakthrough Genomics
Classification: Benign. Review status: criteria provided, single submitter. Criteria: ACMG Guidelines, 2015. Collection method: not provided. Allele origin: germline. Inheritance: Unknown mechanism. Affected: yes.

PreventionGenetics, part of Exact Sciences
Classification: Benign for IGSF10-related condition. Last evaluated: 2019-11-27. Review status: no assertion criteria provided. Collection method: clinical testing. Allele origin: germline. Not counted in ClinVar's aggregate classification.
Comment: This variant is classified as benign based on ACMG/AMP sequence variant interpretation guidelines (Richards et al. 2015 PMID: 25741868, with internal and published modifications).